The following is an entry in ClinVar:

ClinVar aggregate classification (germline): Uncertain significance. Review status: criteria provided, multiple submitters, no conflicts (2 of 4 stars). 2 submissions from 2 submitters: Uncertain significance (2). Last evaluated 2024-05-20.

Conditions:
Inborn genetic diseases. Identifiers: MedGen C0950123, MeSH D030342.

Allele frequency attached by ClinVar (database versions not stated): gnomAD exomes below 0.00001 and 0.00001; gnomAD 0.00001.
gnomAD v4.1: 2 of 1,614,060 alleles (0.00012%); highest among the groups gnomAD compares: Non-Finnish European, 0.00017%; no homozygotes.

Submissions (2):

Ambry Genetics
Classification: Uncertain significance for Inborn genetic diseases. Last evaluated: 2024-05-20. Review status: criteria provided, single submitter. Criteria: Ambry Variant Classification Scheme 2023. Collection method: clinical testing. Allele origin: germline.

Labcorp Genetics (formerly Invitae), Labcorp
Classification: Uncertain significance. Last evaluated: 2021-07-17. Review status: criteria provided, single submitter. Criteria: Invitae Variant Classification Sherloc (09022015). Collection method: clinical testing. Allele origin: germline.
Comment: In summary, the available evidence is currently insufficient to determine the role of this variant in disease. Therefore, it has been classified as a Variant of Uncertain Significance. Algorithms developed to predict the effect of missense changes on protein structure and function are either unavailable or do not agree on the potential impact of this missense change (SIFT: "Tolerated"; PolyPhen-2: "Possibly Damaging"; Align-GVGD: "Class C0"). This variant has not been reported in the literature in individuals affected with CUL7-related conditions. This variant is not present in population databases (ExAC no frequency). This sequence change replaces proline with alanine at codon 1170 of the CUL7 protein (p.Pro1170Ala). The proline residue is highly conserved and there is a small physicochemical difference between proline and alanine.

NM_014780.5(CUL7):c.3508C>G (p.Pro1170Ala)

Gene: CUL7 (cullin 7; minus strand). Cytogenetic location: 6p21.1.
Variant type: single nucleotide variant.
Coding change: c.3508C>G on transcript NM_014780.5 (MANE Select); coding-DNA position 3508, C replaced by G.
Protein change: p.Pro1170Ala; replaces proline 1170 with alanine.
Molecular consequence: missense variant.
Genome position (GRCh38, 1-based): chr6:43,042,939, G>C on the plus strand (C>G on the coding strand, the complement: CUL7 is on the minus strand). VCF-style: chr6-43042939-G-C. GRCh37 (hg19) VCF-style: chr6-43010677-G-C.
Other names: c.3508C>G (NM_014780.4); c.3604C>G, p.Pro1202Ala (NM_001168370.2, NM_001374872.1); c.3508C>G, p.Pro1170Ala (NM_001374873.1); c.3505C>G, p.Pro1169Ala (NM_001374874.1); short protein forms P1169A, P1170A, P1202A.
Identifiers: ClinVar variation 1481053 (VCV001481053.9), dbSNP rs867235173, ClinGen allele CA364202996.